The following is an entry in ClinVar:

ClinVar aggregate classification (germline): Pathogenic/Likely pathogenic. Review status: criteria provided, multiple submitters, no conflicts (2 of 4 stars). 4 submissions from 4 submitters: Pathogenic (2); Likely pathogenic (2). Last evaluated 2025-11-21.

Conditions:
Propionic acidemia (PROP). Also called: GLYCINEMIA, KETOTIC; HYPERGLYCINEMIA WITH KETOACIDOSIS AND LEUKOPENIA; KETOTIC HYPERGLYCINEMIA. Identifiers: Orphanet 35, MedGen C0268579, MONDO:0011628, OMIM 606054, HP:0003571.

Submissions (4):

Natera, Inc.
Classification: Likely pathogenic for Propionic acidemia. Last evaluated: 2025-11-21. Review status: criteria provided, single submitter. Criteria: Natera Variant Classification Schema (03/2026). Collection method: clinical testing. Allele origin: germline.
Comment: The c.497del variant in PCCA is a frameshift variant predicted to shift the reading frame beginning at codon 166 and leads to a stop codon 18 codons downstream. This variant is expected to result in nonsense mediated decay, truncation, or a dysfunctional protein product. This variant is rare in the general population with a frequency below the threshold expected for the associated phenotype(s). Given the available evidence, this variant is classified as Likely Pathogenic.

Baylor Genetics
Classification: Likely pathogenic for Propionic acidemia. Last evaluated: 2024-02-29. Review status: criteria provided, single submitter. Criteria: ACMG Guidelines, 2015. Collection method: clinical testing. Allele origin: unknown.

Labcorp Genetics (formerly Invitae), Labcorp
Classification: Pathogenic for Propionic acidemia. Last evaluated: 2023-08-18. Review status: criteria provided, single submitter. Criteria: Invitae Variant Classification Sherloc (09022015). Collection method: clinical testing. Allele origin: germline.
Comment: For these reasons, this variant has been classified as Pathogenic. This variant has not been reported in the literature in individuals affected with PCCA-related conditions. This variant is not present in population databases (gnomAD no frequency). This sequence change creates a premature translational stop signal (p.Pro166Leufs*18) in the PCCA gene. It is expected to result in an absent or disrupted protein product. Loss-of-function variants in PCCA are known to be pathogenic (PMID: 15464417).

Juno Genomics, Hangzhou Juno Genomics, Inc
Classification: Pathogenic for Propionic acidemia. Review status: criteria provided, single submitter. Criteria: ACMG Guidelines, 2015. Collection method: clinical testing. Allele origin: germline. Affected: yes.
Comment: Absent from controls (or at extremely low frequency if recessive) in Genome Aggregation Database, Exome Sequencing Project, 1000 Genomes Project, or Exome Aggregation Consortium.;Null variant in a gene where loss of function (LOF) is a known mechanism of disease.;Patient's phenotype or family history is highly specific for a disease with a single genetic etiology.

Literature cited by the submitters: PubMed 15464417 (cited by Labcorp Genetics (formerly Invitae), Labcorp).

NM_000282.4(PCCA):c.497del (p.Pro166fs)

Gene: PCCA (propionyl-CoA carboxylase subunit alpha; plus strand). Cytogenetic location: 13q32.3.
Variant type: Deletion.
Coding change: c.497del on transcript NM_000282.4 (MANE Select); coding-DNA position 497, one base deleted (C; older notation c.497delC).
Protein change: p.Pro166fs; shifts the reading frame from proline 166.
Molecular consequence: frameshift variant. On other transcripts: non-coding transcript variant (5), 5 prime UTR variant (3).
Genome position (GRCh38, 1-based): chr13:100,209,360, C deleted; the last of 2 consecutive C bases (chr13:100,209,359-100,209,360); deleting either gives the same sequence. VCF-style (leftmost placement, unchanged base first): chr13-100209358-AC-A. GRCh37 (hg19) VCF-style: chr13-100861612-AC-A.
Other names: c.419del, p.Pro140fs (NM_001127692.3, NM_001352607.2, NM_001352608.2); c.497del, p.Pro166fs (NM_001178004.2, NM_001352605.2, NM_001352606.2 and 1 more transcripts); c.-370del (NM_001352610.2, NM_001352611.2, NM_001352612.2); c.497del (NM_000282.3); short protein forms P140fs, P166fs.
Identifiers: ClinVar variation 2748441 (VCV002748441.7), dbSNP rs2547726575, ClinGen allele CA2588340113.